The following is an entry in ClinVar:

ClinVar aggregate classification (germline): Pathogenic (1 of 4 stars; one submission).

Allele frequency attached by ClinVar (database versions not stated): gnomAD exomes below 0.00001.
gnomAD v4.1: 1 of 1,541,068 alleles (0.000065%); no homozygotes.

Submission:

Labcorp Genetics (formerly Invitae), Labcorp
Classification: Pathogenic. Last evaluated: 2026-01-17. Review status: criteria provided, single submitter. Criteria: Invitae Variant Classification Sherloc (09022015). Collection method: clinical testing. Allele origin: germline.
Comment: This sequence change creates a premature translational stop signal (p.Trp437*) in the TYMP gene. While this is not anticipated to result in nonsense mediated decay, it is expected to disrupt the last 46 amino acid(s) of the TYMP protein. This variant is not present in population databases (gnomAD no frequency). This premature translational stop signal has been observed in individual(s) with mitochondrial neurogastrointestinal encephalomyopathy with other rare variant(s) present on the same allele (PMID: 15505189). ClinVar contains an entry for this variant (Variation ID: 1511314). This variant disrupts a region of the TYMP protein in which other variant(s) (p.Ser471* ) have been determined to be pathogenic (PMID: 17437622). This suggests that this is a clinically significant region of the protein, and that variants that disrupt it are likely to be disease-causing. For these reasons, this variant has been classified as Pathogenic.

Literature cited by the submitters: PubMed 15505189; PubMed 17437622.

NM_001953.5(TYMP):c.1310G>A (p.Trp437Ter)

Genes: SCO2 (synthesis of cytochrome C oxidase 2; minus strand), TYMP (thymidine phosphorylase; minus strand), LOC130067862 (ATAC-STARR-seq lymphoblastoid silent region 13986; plus strand). Cytogenetic location: 22q13.33.
Variant type: single nucleotide variant.
Coding change: c.1310G>A on transcript NM_001953.5 (MANE Select); coding-DNA position 1310, G replaced by A.
Protein change: p.Trp437Ter; replaces tryptophan 437 with a stop codon.
Molecular consequence: nonsense. On other transcripts: intron variant (2).
Genome position (GRCh38, 1-based): chr22:50,525,909, C>T on the plus strand (G>A on the coding strand, the complement: TYMP is on the minus strand). VCF-style: chr22-50525909-C-T. GRCh37 (hg19) VCF-style: chr22-50964338-C-T.
Other names: c.1310G>A, p.Trp437Ter (NM_001113755.3, NM_001113756.3, NM_001257988.1); c.1325G>A, p.Trp442Ter (NM_001257989.1); c.-14+337G>A (NM_001169109.2); c.-14+92G>A (NM_001169110.1); short protein forms W437*, W442*.
Identifiers: ClinVar variation 1511314 (VCV001511314.6), dbSNP rs1243213428, ClinGen allele CA412196529.